The following is an entry in ClinVar:

ClinVar aggregate classification (germline): Uncertain significance. Review status: criteria provided, multiple submitters, no conflicts (2 of 4 stars). 2 submissions from 2 submitters: Uncertain significance (2). Last evaluated 2025-06-20.

Conditions:
Cardiomyopathy (CMYO). Also called: Cardiomyopathies. Identifiers: Orphanet 167848, MedGen C0878544, MONDO:0004994, HP:0001638. Inheritance: Various modes of inheritance.
Catecholaminergic polymorphic ventricular tachycardia 1. Also called: VENTRICULAR TACHYCARDIA, CATECHOLAMINERGIC POLYMORPHIC, 1, WITH OR WITHOUT ATRIAL DYSFUNCTION AND/OR DILATED CARDIOMYOPATHY; RYR2-Related Catecholaminergic Polymorphic Ventricular Tachycardia; VENTRICULAR TACHYCARDIA, STRESS-INDUCED POLYMORPHIC 1. Identifiers: Orphanet 3286, MedGen C1631597, MONDO:0011484, OMIM 604772.

Submissions (2):

Labcorp Genetics (formerly Invitae), Labcorp
Classification: Uncertain significance for Catecholaminergic polymorphic ventricular tachycardia 1. Last evaluated: 2025-06-20. Review status: criteria provided, single submitter. Criteria: Invitae Variant Classification Sherloc (09022015). Collection method: clinical testing. Allele origin: germline.
Comment: This sequence change replaces leucine, which is neutral and non-polar, with proline, which is neutral and non-polar, at codon 1667 of the RYR2 protein (p.Leu1667Pro). This variant is not present in population databases (gnomAD no frequency). This variant has not been reported in the literature in individuals affected with RYR2-related conditions. ClinVar contains an entry for this variant (Variation ID: 924339). Invitae Evidence Modeling of protein sequence and biophysical properties (such as structural, functional, and spatial information, amino acid conservation, physicochemical variation, residue mobility, and thermodynamic stability) indicates that this missense variant is expected to disrupt RYR2 protein function with a positive predictive value of 95%. In summary, the available evidence is currently insufficient to determine the role of this variant in disease. Therefore, it has been classified as a Variant of Uncertain Significance.

Color Diagnostics, LLC DBA Color Health
Classification: Uncertain significance for Cardiomyopathy. Last evaluated: 2023-12-05. Review status: criteria provided, single submitter. Criteria: ACMG Guidelines, 2015. Collection method: clinical testing. Allele origin: germline.
Comment: This missense variant replaces leucine with proline at codon 1667 of the RYR2 protein. Computational prediction tools and conservation analyses suggest that this variant may have deleterious impact on the protein function. Computational splicing tools suggest that this variant may not impact RNA splicing. To our knowledge, functional assays have not been performed for this variant nor has this variant been reported in individuals affected with cardiovascular disorders in the literature. This variant has not been identified in the general population by the Genome Aggregation Database (gnomAD). Available evidence is insufficient to determine the role of this variant in disease conclusively. Therefore, this variant is classified as a Variant of Uncertain Significance.

NM_001035.3(RYR2):c.5000T>C (p.Leu1667Pro)

Gene: RYR2 (ryanodine receptor 2; plus strand). Cytogenetic location: 1q43.
Variant type: single nucleotide variant.
Coding change: c.5000T>C on transcript NM_001035.3 (MANE Select); coding-DNA position 5000, T replaced by C.
Protein change: p.Leu1667Pro; replaces leucine 1667 with proline.
Molecular consequence: missense variant.
Genome position (GRCh38, 1-based): chr1:237,614,128, T>C. VCF-style: chr1-237614128-T-C. GRCh37 (hg19) VCF-style: chr1-237777428-T-C.
Other names: short protein forms L1667P.
Identifiers: ClinVar variation 924339 (VCV000924339.6), dbSNP rs1678203977, ClinGen allele CA345403805.